The following is an entry in ClinVar:

ClinVar aggregate classification (germline): Uncertain significance. Review status: criteria provided, multiple submitters, no conflicts (2 of 4 stars). 3 submissions from 3 submitters: Uncertain significance (3). Last evaluated 2025-10-12.

Conditions:
Inborn genetic diseases. Identifiers: MedGen C0950123, MeSH D030342.
Familial infantile myasthenia (CMS6). Also called: MYASTHENIC SYNDROME, PRESYNAPTIC, CONGENITAL, ASSOCIATED WITH EPISODIC APNEA; MYASTHENIC SYNDROME, CONGENITAL, 6, PRESYNAPTIC; Congenital myasthenic syndrome type 6. Identifiers: Orphanet 590, MedGen C0393929, MONDO:0009689, OMIM 254210.

gnomAD v4.1: 35 of 1,614,082 alleles (0.0022%); highest among the groups gnomAD compares: South Asian, 0.0077%; no homozygotes.

Submissions (3):

Labcorp Genetics (formerly Invitae), Labcorp
Classification: Uncertain significance for Familial infantile myasthenia. Last evaluated: 2025-10-12. Review status: criteria provided, single submitter. Criteria: Invitae Variant Classification Sherloc (09022015). Collection method: clinical testing. Allele origin: germline.
Comment: This sequence change replaces arginine, which is basic and polar, with tryptophan, which is neutral and slightly polar, at codon 628 of the CHAT protein (p.Arg628Trp). This variant is present in population databases (rs116097791, gnomAD 0.003%). This variant has not been reported in the literature in individuals affected with CHAT-related conditions. ClinVar contains an entry for this variant (Variation ID: 944705). Invitae Evidence Modeling of protein sequence and biophysical properties (such as structural, functional, and spatial information, amino acid conservation, physicochemical variation, residue mobility, and thermodynamic stability) has been performed for this missense variant. However, the output from this modeling did not meet the statistical confidence thresholds required to predict the impact of this variant on CHAT protein function. In summary, the available evidence is currently insufficient to determine the role of this variant in disease. Therefore, it has been classified as a Variant of Uncertain Significance.

Ambry Genetics
Classification: Uncertain significance for Inborn genetic diseases. Last evaluated: 2025-01-19. Review status: criteria provided, single submitter. Criteria: Ambry Variant Classification Scheme 2023. Collection method: clinical testing. Allele origin: germline.

Revvity Omics, Revvity
Classification: Uncertain significance for Familial infantile myasthenia. Last evaluated: 2019-08-27. Review status: criteria provided, single submitter. Criteria: ACMG Guidelines, 2015. Collection method: clinical testing. Allele origin: germline.

NM_020549.5(CHAT):c.1882C>T (p.Arg628Trp)

Gene: CHAT (choline O-acetyltransferase; plus strand). Cytogenetic location: 10q11.23.
Variant type: single nucleotide variant.
Coding change: c.1882C>T on transcript NM_020549.5 (MANE Select); coding-DNA position 1882, C replaced by T.
Protein change: p.Arg628Trp; replaces arginine 628 with tryptophan.
Molecular consequence: missense variant.
Genome position (GRCh38, 1-based): chr10:49,662,687, C>T. VCF-style: chr10-49662687-C-T. GRCh37 (hg19) VCF-style: chr10-50870733-C-T.
Other names: c.1528C>T, p.Arg510Trp (NM_001142929.2, NM_001142934.2, NM_020984.4 and 2 more transcripts); c.1636C>T, p.Arg546Trp (NM_001142933.2); short protein forms R546W, R510W, R628W.
Identifiers: ClinVar variation 944705 (VCV000944705.11), dbSNP rs116097791, ClinGen allele CA5497662.
Genomic context (GRCh38, chr10:49,662,687, plus strand): 5'-TTGTCCCCAACTACACAGGCCATAACAGGGATGGCCATTGACAACCACCTGCTGGCACTG[C>T]GGGAGCTGGCCCGGGCCATGTGCAAGGAGCTGCCCGAGATGTTCATGGATGAAACCTACC-3'
Protein context (NP_065574.4, residues 618-638): MAIDNHLLAL[Arg628Trp]ELARAMCKEL